The following is an entry in ClinVar:

ClinVar aggregate classification (germline): Uncertain significance. Review status: criteria provided, multiple submitters, no conflicts (2 of 4 stars). 2 submissions from 2 submitters: Uncertain significance (2). Last evaluated 2025-09-29.

Conditions:
Hereditary cancer-predisposing syndrome. Also called: Neoplastic Syndromes, Hereditary; Hereditary Cancer Syndrome; Hereditary neoplastic syndrome; Tumor predisposition. Identifiers: Orphanet 140162, MedGen C0027672, MeSH D009386, MONDO:0015356.

Submissions (2):

Ambry Genetics
Classification: Uncertain significance for Hereditary cancer-predisposing syndrome. Last evaluated: 2025-09-29. Review status: criteria provided, single submitter. Criteria: Ambry Variant Classification Scheme 2023. Collection method: clinical testing. Allele origin: germline.
Comment: The p.T262A variant (also known as c.784A>G), located in coding exon 5 of the CTNNA1 gene, results from an A to G substitution at nucleotide position 784. The threonine at codon 262 is replaced by alanine, an amino acid with similar properties. This amino acid position is conserved. In addition, the in silico prediction for this alteration is inconclusive. Since supporting evidence is limited at this time, the clinical significance of this alteration remains unclear.

Labcorp Genetics (formerly Invitae), Labcorp
Classification: Uncertain significance. Last evaluated: 2024-02-05. Review status: criteria provided, single submitter. Criteria: Invitae Variant Classification Sherloc (09022015). Collection method: clinical testing. Allele origin: germline.
Comment: This sequence change replaces threonine, which is neutral and polar, with alanine, which is neutral and non-polar, at codon 262 of the CTNNA1 protein (p.Thr262Ala). This variant is not present in population databases (gnomAD no frequency). This variant has not been reported in the literature in individuals affected with CTNNA1-related conditions. ClinVar contains an entry for this variant (Variation ID: 1420465). Advanced modeling of protein sequence and biophysical properties (such as structural, functional, and spatial information, amino acid conservation, physicochemical variation, residue mobility, and thermodynamic stability) performed at Invitae indicates that this missense variant is not expected to disrupt CTNNA1 protein function with a negative predictive value of 80%. In summary, the available evidence is currently insufficient to determine the role of this variant in disease. Therefore, it has been classified as a Variant of Uncertain Significance.

NM_001903.5(CTNNA1):c.784A>G (p.Thr262Ala)

Gene: CTNNA1 (catenin alpha 1; plus strand). Cytogenetic location: 5q31.2.
Variant type: single nucleotide variant.
Coding change: c.784A>G on transcript NM_001903.5 (MANE Select); coding-DNA position 784, A replaced by G.
Protein change: p.Thr262Ala; replaces threonine 262 with alanine.
Molecular consequence: missense variant.
Genome position (GRCh38, 1-based): chr5:138,824,725, A>G. VCF-style: chr5-138824725-A-G. GRCh37 (hg19) VCF-style: chr5-138160414-A-G.
Other names: c.784A>G, p.Thr262Ala (NM_001290307.3, NM_001323982.2, NM_001323983.1 and 3 more transcripts); c.475A>G, p.Thr159Ala (NM_001290309.3); c.415A>G, p.Thr139Ala (NM_001290310.3); c.784A>G (NM_001903.2); short protein forms T262A, T139A, T159A.
Identifiers: ClinVar variation 1420465 (VCV001420465.8), dbSNP rs2149776439, ClinGen allele CA361130015.